The following is an entry in ClinVar:

NM_152906.7(TANGO2):c.262C>T (p.Arg88Ter)

Gene: TANGO2 (transport and golgi organization 2 homolog; plus strand). Cytogenetic location: 22q11.21.
Variant type: single nucleotide variant.
Coding change: c.262C>T on transcript NM_152906.7 (MANE Select); coding-DNA position 262, C replaced by T.
Protein change: p.Arg88Ter; replaces arginine 88 with a stop codon.
Molecular consequence: nonsense. On other transcripts: missense variant (12), non-coding transcript variant (5).
Genome position (GRCh38, 1-based): chr22:20,052,581, C>T. VCF-style: chr22-20052581-C-T. GRCh37 (hg19) VCF-style: chr22-20040104-C-T.
Other names: NR_136211.2:n.438C>T; c.385C>T, p.Arg129Ter (NM_001283129.3, NM_001283215.3, NM_001322141.2 and 5 more transcripts); c.262C>T, p.Arg88Ter (NM_001283148.3, NM_001283154.3, NM_001283179.3 and 10 more transcripts); c.83C>T, p.Ala28Val (NM_001283235.3, NM_001322153.2, NM_001322155.2 and 9 more transcripts); c.262C>T (NM_152906.4); short protein forms A28V, R129*, R88*.
Identifiers: ClinVar variation 1312508 (VCV001312508.13), dbSNP rs140115503, ClinGen allele CA10106247.

ClinVar aggregate classification (germline): Pathogenic. Review status: criteria provided, multiple submitters, no conflicts (2 of 4 stars). 5 submissions from 5 submitters: Pathogenic (4). 1 of the submissions does not count toward it. Last evaluated 2026-01-15.

Conditions:
Recurrent metabolic encephalomyopathic crises-rhabdomyolysis-cardiac arrhythmia-intellectual disability syndrome (MECRCN). Also called: Metabolic encephalomyopathic crises, recurrent, with rhabdomyolysis, cardiac arrhythmias, and neurodegeneration; METABOLIC CRISES, RECURRENT, WITH RHABDOMYOLYSIS, CARDIAC ARRHYTHMIAS, AND NEURODEGENERATION; TANGO2 Deficiency. Identifiers: Orphanet 480864, MedGen C5567524, MONDO:0018820, OMIM 616878.

Allele frequency attached by ClinVar (database versions not stated): TOPMed 0.00005; gnomAD exomes 0.00002 and 0.00001; ESP Exome Variant Server 0.00008; gnomAD 0.00006.

Submissions (5):

3billion
Classification: Pathogenic for Recurrent metabolic encephalomyopathic crises-rhabdomyolysis-cardiac arrhythmia-intellectual disability syndrome. Last evaluated: 2026-01-15. Review status: criteria provided, single submitter. Criteria: ACMG Guidelines, 2015. Collection method: clinical testing. Allele origin: germline. Affected: yes.
Comment: The variant is observed at an extremely low frequency in the gnomAD v4.1.0 dataset (total allele frequency: 0.001%). Predicted Consequence/Location: Stop-gained (nonsense): predicted to result in a loss or disruption of normal protein function through nonsense-mediated decay (NMD) or protein truncation. Multiple pathogenic variants are reported downstream of the variant. The variant has been reported at least twice as pathogenic with clinical assertions and evidence for the classification (ClinVar ID: VCV001312508 /PMID: 31276219). Therefore, this variant is classified as Pathogenic according to the recommendation of ACMG/AMP guideline.

Labcorp Genetics (formerly Invitae), Labcorp
Classification: Pathogenic. Last evaluated: 2025-10-04. Review status: criteria provided, single submitter. Criteria: Invitae Variant Classification Sherloc (09022015). Collection method: clinical testing. Allele origin: germline.
Comment: This sequence change creates a premature translational stop signal (p.Arg88*) in the TANGO2 gene. It is expected to result in an absent or disrupted protein product. Loss-of-function variants in TANGO2 are known to be pathogenic (PMID: 26805781, 26805782). This variant is present in population databases (rs140115503, gnomAD 0.02%). This premature translational stop signal has been observed in individual(s) with TANGO2-related conditions (PMID: 31276219, 31339582). ClinVar contains an entry for this variant (Variation ID: 1312508). For these reasons, this variant has been classified as Pathogenic.

GeneDx
Classification: Pathogenic. Last evaluated: 2024-04-10. Review status: criteria provided, single submitter. Criteria: GeneDx Variant Classification Process June 2021. Collection method: clinical testing. Allele origin: germline. Affected: yes.
Comment: Nonsense variant predicted to result in protein truncation or nonsense mediated decay in a gene for which loss of function is a known mechanism of disease; This variant is associated with the following publications: (PMID: 36473599, 31339582, 32929747, 37421366, 31276219)

Broad Center for Mendelian Genomics, Broad Institute of MIT and Harvard
Classification: Pathogenic for Recurrent metabolic encephalomyopathic crises-rhabdomyolysis-cardiac arrhythmia-intellectual disability syndrome. Last evaluated: 2021-05-21. Review status: criteria provided, single submitter. Criteria: ACMG Guidelines, 2015. Collection method: curation. Allele origin: germline. Inheritance: Autosomal recessive inheritance.
Comment: The p.Arg88Ter variant in TANGO2 has been reported in 4 African and 3 European individuals with metabolic encephalomyopathic crises, recurrent, with rhabdomyolysis, cardiac arrhythmias, and neurodegeneration (MECRCN) (PMID: 31276219, 31339582, 32929747), segregated with disease in 3 affected relatives from 3 families (PMID: 31276219, 32929747), and has been identified in 0.02% (2/9730) of African/African American chromosomes by the Genome Aggregation Database (gnomAD; dbSNP ID: rs140115503). Although this variant has been seen in the general population in a heterozygous state, its frequency is not high enough to rule out a pathogenic role. Of the 7 affected individuals, 5 of those were homozygotes, which increases the likelihood that the p.Arg88Ter variant is pathogenic (VariationID: PMID: 31276219, 31339582, 32929747). In vitro functional studies provide some evidence that the p.Arg88Ter variant may impact protein function (PMID: 32929747, 31339582). However, these types of assays may not accurately represent biological function. This nonsense variant leads to a premature termination codon at position 88, which is predicted to lead to a truncated or absent protein. Loss of function of the TANGO2 gene is a strongly established disease mechanism in autosomal recessive MECRCN. In summary, this variant meets criteria to be classified as pathogenic for autosomal recessive MECRCN. ACMG/AMP Criteria applied: PM3, PVS1_strong, PP1_moderate, PS3_moderate (Richards 2015).

OMIM
Classification: Pathogenic for METABOLIC CRISES, RECURRENT, WITH RHABDOMYOLYSIS, CARDIAC ARRHYTHMIAS, AND NEURODEGENERATION. Last evaluated: 2023-01-27. Review status: no assertion criteria provided. Collection method: literature only. Allele origin: germline. Not counted in ClinVar's aggregate classification.

Literature cited by the submitters: PubMed 31276219 (cited by 3 submitters); PubMed 26805781 (cited by Labcorp Genetics (formerly Invitae), Labcorp); PubMed 26805782 (cited by Labcorp Genetics (formerly Invitae), Labcorp); PubMed 31339582 (cited by Labcorp Genetics (formerly Invitae), Labcorp and Broad Center for Mendelian Genomics, Broad Institute of MIT and Harvard); PubMed 32929747 (cited by Broad Center for Mendelian Genomics, Broad Institute of MIT and Harvard).